The following is an entry in ClinVar:

NM_001013839.4(EXOC7):c.555C>T (p.Asp185=)

Gene: EXOC7 (exocyst complex component 7; minus strand). Cytogenetic location: 17q25.1.
Variant type: single nucleotide variant.
Coding change: c.555C>T on transcript NM_001013839.4 (MANE Select); coding-DNA position 555, C replaced by T.
Protein change: p.Asp185=; no amino-acid change (aspartic acid 185 retained).
Molecular consequence: synonymous variant.
Genome position (GRCh38, 1-based): chr17:76,097,881, G>A on the plus strand (C>T on the coding strand, the complement: EXOC7 is on the minus strand). VCF-style: chr17-76097881-G-A. GRCh37 (hg19) VCF-style: chr17-74093962-G-A.
Other names: c.555C>T, p.Asp185= (NM_015219.5, NM_001145297.4, NM_001145298.4 and 4 more transcripts); c.432C>T, p.Asp144= (NM_001145296.1, NM_001282313.2).
Identifiers: ClinVar variation 2648297 (VCV002648297.24), dbSNP rs770214235, ClinGen allele CA8781633.
Genomic context (GRCh38, chr17:76,097,881, plus strand): 5'-CCAGCGGGAGATGCGAATGACATCCTGGAGCACGCTCTCGGGCAGGTGCTCCAGGGTCAC[G>A]TCCTCCTGGGCCTCCAGATCATCGTCACCACTGATCAGATCCAAGATGAGCACGGGCGAG-3'
Protein context (NP_001013861.1, residues 175-195): SGDDDLEAQE[Asp185=]VTLEHLPESV

ClinVar aggregate classification (germline): Likely benign (1 of 4 stars; one submission).

Allele frequency attached by ClinVar (database versions not stated): gnomAD 0.00001; ExAC 0.00002; gnomAD exomes 0.00002; TOPMed 0.00002.
gnomAD v4.1: 32 of 1,613,894 alleles (0.002%); highest among the groups gnomAD compares: East Asian, 0.0089%; no homozygotes.

Submission:

CeGaT Center for Human Genetics Tuebingen
Classification: Likely benign. Last evaluated: 2022-03-01. Review status: criteria provided, single submitter. Criteria: CeGaT Center For Human Genetics Tuebingen Variant Classification Criteria Version 2. Collection method: clinical testing. Allele origin: germline. Affected: yes. Observed: 1 variant allele.
Comment: EXOC7: BP4, BP7